The following is an entry in ClinVar:

ClinVar aggregate classification (germline): Uncertain significance (1 of 4 stars; one submission).

Allele frequency attached by ClinVar (database versions not stated): gnomAD exomes below 0.00001.
gnomAD v4.1: 2 of 1,614,010 alleles (0.00012%); highest among the groups gnomAD compares: Non-Finnish European, 0.00017%; no homozygotes.

Submission:

Labcorp Genetics (formerly Invitae), Labcorp
Classification: Uncertain significance. Last evaluated: 2022-12-31. Review status: criteria provided, single submitter. Criteria: Invitae Variant Classification Sherloc (09022015). Collection method: clinical testing. Allele origin: germline.
Comment: In summary, the available evidence is currently insufficient to determine the role of this variant in disease. Therefore, it has been classified as a Variant of Uncertain Significance. Algorithms developed to predict the effect of missense changes on protein structure and function (SIFT, PolyPhen-2, Align-GVGD) all suggest that this variant is likely to be disruptive. This variant has not been reported in the literature in individuals affected with FLNB-related conditions. This variant is not present in population databases (gnomAD no frequency). This sequence change replaces glycine, which is neutral and non-polar, with glutamic acid, which is acidic and polar, at codon 854 of the FLNB protein (p.Gly854Glu).

NM_001457.4(FLNB):c.2561G>A (p.Gly854Glu)

Genes: FLNB (filamin B; plus strand), LOC129936935 (ATAC-STARR-seq lymphoblastoid active region 19999; plus strand). Cytogenetic location: 3p14.3.
Variant type: single nucleotide variant.
Coding change: c.2561G>A on transcript NM_001457.4 (MANE Select); coding-DNA position 2561, G replaced by A.
Protein change: p.Gly854Glu; replaces glycine 854 with glutamic acid.
Molecular consequence: missense variant.
Genome position (GRCh38, 1-based): chr3:58,111,867, G>A. VCF-style: chr3-58111867-G-A. GRCh37 (hg19) VCF-style: chr3-58097594-G-A.
Other names: c.2561G>A, p.Gly854Glu (NM_001164319.2, NM_001164317.2, NM_001164318.2); short protein forms G854E.
Identifiers: ClinVar variation 2825223 (VCV002825223.3), dbSNP rs2471091721, ClinGen allele CA353345694.